The following is an entry in ClinVar:

ClinVar aggregate classification (germline): Benign/Likely benign. Review status: criteria provided, multiple submitters, no conflicts (2 of 4 stars). 4 submissions from 4 submitters: Benign (1); Likely benign (3). Last evaluated 2026-04-01.

Conditions:
Hereditary cancer-predisposing syndrome. Also called: Tumor predisposition; Hereditary neoplastic syndrome; Neoplastic Syndromes, Hereditary; Hereditary Cancer Syndrome. Identifiers: Orphanet 140162, MedGen C0027672, MeSH D009386, MONDO:0015356.
Renal cell carcinoma. Identifiers: Orphanet 217071, MedGen C0007134, MeSH D002292, MONDO:0005086, HP:0005584.
Papillary renal cell carcinoma type 1 (RCCP1). Also called: RENAL CELL CARCINOMA, PAPILLARY, 1, SOMATIC; Renal adenocarcinoma; Renal cell carcinoma 1; Renal cell carcinoma, somatic. Identifiers: Orphanet 47044, MedGen C1336839, OMIM 605074, HP:0011797.

Allele frequency attached by ClinVar (database versions not stated): gnomAD exomes below 0.00001 and 0.00001; ExAC 0.00001; gnomAD 0.00001; TOPMed 0.00002.
gnomAD v4.1: 12 of 1,613,874 alleles (0.00074%); highest among the groups gnomAD compares: African/African-American, 0.0053%; no homozygotes.

Submissions (4):

CeGaT Center for Human Genetics Tuebingen
Classification: Likely benign. Last evaluated: 2026-04-01. Review status: criteria provided, single submitter. Criteria: CeGaT Center For Human Genetics Tuebingen Variant Classification Criteria Version 2. Collection method: clinical testing. Allele origin: germline. Affected: yes. Observed: 1 variant allele.
Comment: MET: BP4, BP7

Labcorp Genetics (formerly Invitae), Labcorp
Classification: Likely benign for Renal cell carcinoma. Last evaluated: 2025-12-21. Review status: criteria provided, single submitter. Criteria: Invitae Variant Classification Sherloc (09022015). Collection method: clinical testing. Allele origin: germline.

Myriad Genetics, Inc.
Classification: Benign for Papillary renal cell carcinoma type 1. Last evaluated: 2024-11-06. Review status: criteria provided, single submitter. Criteria: Myriad Autosomal Dominant, Autosomal Recessive and X-Linked Classification Criteria (2023). Collection method: clinical testing. Allele origin: unknown.
Comment: This variant is considered benign. This variant is a silent/synonymous amino acid change and it is not expected to impact splicing.

Ambry Genetics
Classification: Likely benign for Hereditary cancer-predisposing syndrome. Last evaluated: 2018-03-27. Review status: criteria provided, single submitter. Criteria: Ambry Variant Classification Scheme 2023. Collection method: clinical testing. Allele origin: germline.

NM_000245.4(MET):c.366C>T (p.Val122=)

Gene: MET (MET proto-oncogene, receptor tyrosine kinase; plus strand). Cytogenetic location: 7q31.2.
Variant type: single nucleotide variant.
Coding change: c.366C>T on transcript NM_000245.4 (MANE Select); coding-DNA position 366, C replaced by T.
Protein change: p.Val122=; no amino-acid change (valine 122 retained).
Molecular consequence: synonymous variant. On other transcripts: intron variant (1).
Genome position (GRCh38, 1-based): chr7:116,699,450, C>T. VCF-style: chr7-116699450-C-T. GRCh37 (hg19) VCF-style: chr7-116339504-C-T.
Other names: c.366C>T, p.Val122= (NM_001127500.3, NM_001324401.3); c.-91+26873C>T (NM_001324402.2).
Identifiers: ClinVar variation 824049 (VCV000824049.16), dbSNP rs202026780, ClinGen allele CA4447981.
Genomic context (GRCh38, chr7:116,699,450, plus strand): 5'-CAGCAAAGCCAATTTATCAGGAGGTGTTTGGAAAGATAACATCAACATGGCTCTAGTTGT[C>T]GACACCTACTATGATGATCAACTCATTAGCTGTGGCAGCGTCAACAGAGGGACCTGCCAG-3'
Protein context (NP_000236.2, residues 112-132): WKDNINMALV[Val122=]DTYYDDQLIS